The following is an entry in ClinVar:

NM_152383.5(DIS3L2):c.47C>A (p.Pro16His)

Gene: DIS3L2 (DIS3 like 3'-5' exoribonuclease 2; plus strand). Cytogenetic location: 2q37.1.
Variant type: single nucleotide variant.
Coding change: c.47C>A on transcript NM_152383.5 (MANE Select); coding-DNA position 47, C replaced by A.
Protein change: p.Pro16His; replaces proline 16 with histidine.
Molecular consequence: missense variant. On other transcripts: non-coding transcript variant (2).
Genome position (GRCh38, 1-based): chr2:232,014,974, C>A. VCF-style: chr2-232014974-C-A. GRCh37 (hg19) VCF-style: chr2-232879684-C-A.
Other names: c.47C>A, p.Pro16His (NM_001257281.2, NM_001257282.2); short protein forms P16H.
Identifiers: ClinVar variation 895501 (VCV000895501.15), dbSNP rs769111524, ClinGen allele CA2163696.

ClinVar aggregate classification (germline): Uncertain significance. Review status: criteria provided, multiple submitters, no conflicts (2 of 4 stars). 3 submissions from 3 submitters: Uncertain significance (3). Last evaluated 2023-05-05.

Conditions:
Inborn genetic diseases. Identifiers: MedGen C0950123, MeSH D030342.
Perlman syndrome (PRLMNS). Identifiers: Orphanet 2849, MedGen C0796113, MONDO:0009965, OMIM 267000.

Allele frequency attached by ClinVar (database versions not stated): ExAC 0.00001.
gnomAD v4.1: 9 of 1,613,762 alleles (0.00056%); highest among the groups gnomAD compares: Non-Finnish European, 0.00059%; no homozygotes.

Submissions (3):

Ambry Genetics
Classification: Uncertain significance for Inborn genetic diseases. Last evaluated: 2023-05-05. Review status: criteria provided, single submitter. Criteria: Ambry Variant Classification Scheme 2023. Collection method: clinical testing. Allele origin: germline.

Labcorp Genetics (formerly Invitae), Labcorp
Classification: Uncertain significance for Perlman syndrome. Last evaluated: 2023-05-02. Review status: criteria provided, single submitter. Criteria: Invitae Variant Classification Sherloc (09022015). Collection method: clinical testing. Allele origin: germline.
Comment: In summary, the available evidence is currently insufficient to determine the role of this variant in disease. Therefore, it has been classified as a Variant of Uncertain Significance. This sequence change replaces proline, which is neutral and non-polar, with histidine, which is basic and polar, at codon 16 of the DIS3L2 protein (p.Pro16His). This variant is present in population databases (rs769111524, gnomAD 0.0009%). This variant has not been reported in the literature in individuals affected with DIS3L2-related conditions. ClinVar contains an entry for this variant (Variation ID: 895501). An algorithm developed to predict the effect of missense changes on protein structure and function (PolyPhen-2) suggests that this variant is likely to be tolerated.

Illumina Laboratory Services, Illumina
Classification: Uncertain significance for Perlman syndrome. Last evaluated: 2018-01-13. Review status: criteria provided, single submitter. Criteria: ICSL Variant Classification Criteria 13 December 2019. Collection method: clinical testing. Allele origin: germline.